The following is an entry in ClinVar:

ClinVar aggregate classification (germline): Benign. Review status: criteria provided, multiple submitters, no conflicts (2 of 4 stars). 3 submissions from 3 submitters: Benign (2). 1 of the submissions does not count toward it. Last evaluated 2021-05-04.

Conditions:
MYRF-related disorder. Also called: MYRF-related disorders; MYRF-related condition.

Allele frequency attached by ClinVar (database versions not stated): 1000 Genomes Project 30x 0.00671; 1000 Genomes Project 0.00679; TOPMed 0.01310; ESP Exome Variant Server 0.01777; ExAC 0.02073; gnomAD 0.02157 and 0.02295; gnomAD exomes 0.02207 and 0.02330.
gnomAD v4.1: 37,175 of 1,613,782 alleles (2.3%); highest among the groups gnomAD compares: Non-Finnish European, 2.4%; 722 homozygotes.

Submissions (3):

GeneDx
Classification: Benign. Last evaluated: 2021-05-04. Review status: criteria provided, single submitter. Criteria: GeneDx Variant Classification Process June 2021. Collection method: clinical testing. Allele origin: germline. Affected: yes.

Breakthrough Genomics
Classification: Benign. Review status: criteria provided, single submitter. Criteria: ACMG Guidelines, 2015. Collection method: not provided. Allele origin: germline. Inheritance: Autosomal dominant inheritance. Affected: yes.

PreventionGenetics, part of Exact Sciences
Classification: Benign for MYRF-related condition. Last evaluated: 2019-03-12. Review status: no assertion criteria provided. Collection method: clinical testing. Allele origin: germline. Not counted in ClinVar's aggregate classification.
Comment: This variant is classified as benign based on ACMG/AMP sequence variant interpretation guidelines (Richards et al. 2015 PMID: 25741868, with internal and published modifications).

NM_001127392.3(MYRF):c.2759G>A (p.Arg920His)

Gene: MYRF (myelin regulatory factor; plus strand). Cytogenetic location: 11q12.2.
Variant type: single nucleotide variant.
Coding change: c.2759G>A on transcript NM_001127392.3 (MANE Select); coding-DNA position 2759, G replaced by A.
Protein change: p.Arg920His; replaces arginine 920 with histidine.
Molecular consequence: missense variant.
Genome position (GRCh38, 1-based): chr11:61,781,324, G>A. VCF-style: chr11-61781324-G-A. GRCh37 (hg19) VCF-style: chr11-61548796-G-A.
Other names: c.2654G>A, p.Arg885His (NM_013279.4); short protein forms R885H, R920H.
Identifiers: ClinVar variation 1252179 (VCV001252179.5), dbSNP rs61747222, ClinGen allele CA6038234.
Genomic context (GRCh38, chr11:61,781,324, plus strand): 5'-TTGGCCCCAGCTTTAACCCTGGCCATGTTCTCAGCCCAAGTCCCAGCCCCAGCACCAACC[G>A]CTCAGGTAAGGCTTTCTGTGGGCTGGGGCTTGGGGCGGGGGCTACCTGCGTAGAGAGAAA-3'
Protein context (NP_001120864.1, residues 910-930): LSPSPSPSTN[Arg920His]SGPSQMALLP